The following is an entry in ClinVar:

NC_000011.9:g.(?_5247800)_(5255213_?)del

Genes: HBB (hemoglobin subunit beta; minus strand), HBD (hemoglobin subunit delta; minus strand). Cytogenetic location: 11p15.4.
Variant type: Deletion.
Identifiers: ClinVar variation 3244733 (VCV003244733.1).

ClinVar aggregate classification (germline): Pathogenic (1 of 4 stars; one submission).

Submission:

Labcorp Genetics (formerly Invitae), Labcorp
Classification: Pathogenic. Last evaluated: 2024-01-02. Review status: criteria provided, single submitter. Criteria: Invitae Variant Classification Sherloc (09022015). Collection method: clinical testing. Allele origin: unknown.
Comment: This variant is a gross deletion of the genomic region encompassing exon(s) 1-2 of the HBB gene, which includes the initiator codon. This deletion extends beyond the assayed region for this gene and therefore may encompass additional genes. It is expected to result in an absent or disrupted protein product. Loss-of-function variants in HBB are known to be pathogenic (PMID: 23637309). A similar copy number variant has been observed in individual(s) with HBB-related conditions (PMID: 2456798, 3799598, 6089938, 21797706). For these reasons, this variant has been classified as Pathogenic.

Literature cited by the submitters: PubMed 23637309; PubMed 2456798; PubMed 3799598; PubMed 6089938; PubMed 21797706.